The following is an entry in ClinVar:

NM_014244.5(ADAMTS2):c.*2439C>T

Gene: ADAMTS2 (ADAM metallopeptidase with thrombospondin type 1 motif 2; minus strand). Cytogenetic location: 5q35.3.
Variant type: single nucleotide variant.
Coding change: c.*2439C>T on transcript NM_014244.5 (MANE Select); 2439 bases downstream of the stop codon, C replaced by T.
Molecular consequence: 3 prime UTR variant.
Genome position (GRCh38, 1-based): chr5:179,111,428, G>A on the plus strand (C>T on the coding strand, the complement: ADAMTS2 is on the minus strand). VCF-style: chr5-179111428-G-A. GRCh37 (hg19) VCF-style: chr5-178538429-G-A.
Identifiers: ClinVar variation 353047 (VCV000353047.5), dbSNP rs78886769, ClinGen allele CA10620176.
Genomic context (GRCh38, chr5:179,111,428, plus strand): 5'-TACTAAGCCGGTTCTCCAAGTGGTCCCCAGCTCAGAGATTTGCGTCGTTTCTCAGAGCCC[G>A]GTGAACGTTGGCATTCCTTGGACAGACTTTTGAGGACCATCCGGCTCTAGAGGACTCTTG-3'

ClinVar aggregate classification (germline): Benign (1 of 4 stars; one submission).

Conditions:
Ehlers-Danlos syndrome, dermatosparaxis type. Also called: EDS VIIC; Dermatosparaxis; Ehlers-Danlos syndrome, type VII, autosomal recessive. Identifiers: Orphanet 1901, MedGen C2700425, MONDO:0009161, OMIM 225410.

Allele frequency attached by ClinVar (database versions not stated): 1000 Genomes Project 30x 0.01983; 1000 Genomes Project 0.02017; TOPMed 0.04056; gnomAD 0.04139; gnomAD exomes 0.04762.
gnomAD v4.1: 6,201 of 152,380 alleles (4.1%); highest among the groups gnomAD compares: Non-Finnish European, 6.2%; 167 homozygotes.

Submission:

Illumina Laboratory Services, Illumina
Classification: Benign for Ehlers-Danlos syndrome, dermatosparaxis type. Last evaluated: 2018-01-13. Review status: criteria provided, single submitter. Criteria: ICSL Variant Classification Criteria 13 December 2019. Collection method: clinical testing. Allele origin: germline.
Comment: This variant was observed in the ICSL laboratory as part of a predisposition screen in an ostensibly healthy population. It had not been previously curated by ICSL or reported in the Human Gene Mutation Database (HGMD: prior to June 1st, 2018), and was therefore a candidate for classification through an automated scoring system. Utilizing variant allele frequency, disease prevalence and penetrance estimates, and inheritance mode, an automated score was calculated to assess if this variant is too frequent to cause the disease. Based on the score and internal cut-off values, a variant classified as benign is not then subjected to further curation. The score for this variant resulted in a classification of benign for this disease.